The following is an entry in ClinVar:

NM_006206.6(PDGFRA):c.938G>A (p.Gly313Asp)

Gene: PDGFRA (platelet derived growth factor receptor alpha; plus strand). Cytogenetic location: 4q12.
Variant type: single nucleotide variant.
Coding change: c.938G>A on transcript NM_006206.6 (MANE Select); coding-DNA position 938, G replaced by A.
Protein change: p.Gly313Asp; replaces glycine 313 with aspartic acid.
Molecular consequence: missense variant.
Genome position (GRCh38, 1-based): chr4:54,267,558, G>A. VCF-style: chr4-54267558-G-A. GRCh37 (hg19) VCF-style: chr4-55133725-G-A.
Other names: c.938G>A, p.Gly313Asp (NM_001347827.2, NM_001347829.2); c.1013G>A, p.Gly338Asp (NM_001347828.2); c.977G>A, p.Gly326Asp (NM_001347830.2); short protein forms G338D, G313D, G326D.
Identifiers: ClinVar variation 945392 (VCV000945392.10), dbSNP rs1293806775, ClinGen allele CA356891445.

ClinVar aggregate classification (germline): Uncertain significance (1 of 4 stars; one submission).

Conditions:
Gastrointestinal stromal tumor. Also called: Gastrointestinal stromal tumor, somatic; Gastrointestinal stroma tumor. Identifiers: Orphanet 44890, MedGen C0238198, MeSH D046152, MONDO:0011719, OMIM 606764, HP:0100723.

Submission:

Labcorp Genetics (formerly Invitae), Labcorp
Classification: Uncertain significance for Gastrointestinal stromal tumor. Last evaluated: 2019-05-30. Review status: criteria provided, single submitter. Criteria: Invitae Variant Classification Sherloc (09022015). Collection method: clinical testing. Allele origin: germline.
Comment: This sequence change replaces glycine with aspartic acid at codon 313 of the PDGFRA protein (p.Gly313Asp). The glycine residue is moderately conserved and there is a moderate physicochemical difference between glycine and aspartic acid. This variant is not present in population databases (ExAC no frequency). This variant has not been reported in the literature in individuals with PDGFRA-related conditions. Algorithms developed to predict the effect of missense changes on protein structure and function (SIFT, PolyPhen-2, Align-GVGD) all suggest that this variant is likely to be tolerated, but these predictions have not been confirmed by published functional studies and their clinical significance is uncertain. In summary, the available evidence is currently insufficient to determine the role of this variant in disease. Therefore, it has been classified as a Variant of Uncertain Significance.